The following is an entry in ClinVar:

NM_007294.4(BRCA1):c.2471A>G (p.Asn824Ser)

Gene: BRCA1 (BRCA1 DNA repair associated; minus strand). Cytogenetic location: 17q21.31.
Variant type: single nucleotide variant.
Coding change: c.2471A>G on transcript NM_007294.4 (MANE Select); coding-DNA position 2471, A replaced by G.
Protein change: p.Asn824Ser; replaces asparagine 824 with serine.
Molecular consequence: missense variant. On other transcripts: intron variant (137).
Genome position (GRCh38, 1-based): chr17:43,093,060, T>C on the plus strand (A>G on the coding strand, the complement: BRCA1 is on the minus strand). VCF-style: chr17-43093060-T-C. GRCh37 (hg19) VCF-style: chr17-41245077-T-C.
Other names: c.2345A>G, p.Asn782Ser (NM_001407690.1, NM_001407691.1, NM_001407940.1 and 11 more transcripts); c.2330A>G, p.Asn777Ser (NM_001407692.1, NM_001407694.1, NM_001407695.1 and 29 more transcripts); c.2327A>G, p.Asn776Ser (NM_001407740.1, NM_001407741.1, NM_001407742.1 and 20 more transcripts); c.2258A>G, p.Asn753Ser (NM_001407853.1, NM_001407894.1, NM_001407895.1 and 9 more transcripts); c.2471A>G, p.Asn824Ser (NM_001407854.1, NM_001407858.1, NM_001407859.1 and 30 more transcripts); c.2468A>G, p.Asn823Ser (NM_001407860.1, NM_001407861.1, NM_001407587.1 and 22 more transcripts); c.2270A>G, p.Asn757Ser (NM_001407862.1); c.2348A>G, p.Asn783Ser (NM_001407863.1, NM_001407919.1, NM_001407937.1 and 19 more transcripts); and 41 more; short protein forms N824S, N777S, N696S, N735S, N756S, N782S, N798S, N821S.
Identifiers: ClinVar variation 481488 (VCV000481488.17), dbSNP rs1485586275, ClinGen allele CA10597061.

ClinVar aggregate classification (germline): Conflicting classifications of pathogenicity. Review status: criteria provided, conflicting classifications (1 of 4 stars). 3 submissions from 3 submitters: Uncertain significance (2); Likely benign (1). Last evaluated 2024-05-17.

Conditions:
Hereditary cancer-predisposing syndrome. Also called: Hereditary Cancer Syndrome; Neoplastic Syndromes, Hereditary; Tumor predisposition; Hereditary neoplastic syndrome. Identifiers: Orphanet 140162, MedGen C0027672, MeSH D009386, MONDO:0015356.
Hereditary breast ovarian cancer syndrome. Also called: Hereditary breast and ovarian cancer syndrome; Hereditary breast and ovarian cancer; Hereditary breast and ovarian cancer syndrome (HBOC); Breast and ovarian cancer; Hereditary breast and/or ovarian cancer syndrome; BRCA1- and BRCA2-Associated Hereditary Breast and Ovarian Cancer. Identifiers: Orphanet 145, MedGen C0677776, MeSH D061325, MONDO:0003582. Disease mechanism: loss of function.

gnomAD v4.1: 3 of 1,613,868 alleles (0.00019%); highest among the groups gnomAD compares: Non-Finnish European, 0.00025%; no homozygotes.

Submissions (3):

Ambry Genetics
Classification: Uncertain significance for Hereditary cancer-predisposing syndrome. Last evaluated: 2024-05-17. Review status: criteria provided, single submitter. Criteria: Ambry Variant Classification Scheme 2023. Collection method: clinical testing. Allele origin: germline.
Comment: The p.N824S variant (also known as c.2471A>G), located in coding exon 9 of the BRCA1 gene, results from an A to G substitution at nucleotide position 2471. The asparagine at codon 824 is replaced by serine, an amino acid with highly similar properties. This amino acid position is not well conserved in available vertebrate species. In addition, this alteration is predicted to be tolerated by in silico analysis. Since supporting evidence is limited at this time, the clinical significance of this alteration remains unclear.

Labcorp Genetics (formerly Invitae), Labcorp
Classification: Uncertain significance for Hereditary breast ovarian cancer syndrome. Last evaluated: 2024-03-16. Review status: criteria provided, single submitter. Criteria: Invitae Variant Classification Sherloc (09022015). Collection method: clinical testing. Allele origin: germline.
Comment: This sequence change replaces asparagine, which is neutral and polar, with serine, which is neutral and polar, at codon 824 of the BRCA1 protein (p.Asn824Ser). This variant is present in population databases (no rsID available, gnomAD 0.0009%). This variant has not been reported in the literature in individuals affected with BRCA1-related conditions. ClinVar contains an entry for this variant (Variation ID: 481488). Advanced modeling of protein sequence and biophysical properties (such as structural, functional, and spatial information, amino acid conservation, physicochemical variation, residue mobility, and thermodynamic stability) performed at Invitae indicates that this missense variant is not expected to disrupt BRCA1 protein function with a negative predictive value of 95%. In summary, the available evidence is currently insufficient to determine the role of this variant in disease. Therefore, it has been classified as a Variant of Uncertain Significance.

University of Washington Department of Laboratory Medicine, University of Washington
Classification: Likely benign for Hereditary cancer-predisposing syndrome. Last evaluated: 2023-03-23. Review status: criteria provided, single submitter. Criteria: Dines et al. (Genet Med. 2020). Collection method: curation. Allele origin: germline.
Comment: Missense variant in a coldspot region where missense variants are very unlikely to be pathogenic (PMID:31911673).

BRCA1 coldspot (exon 11 using historical exon numbering). Reclassification based on statistical prior probability